The following is an entry in ClinVar:

ClinVar aggregate classification (germline): Uncertain significance (1 of 4 stars; one submission).

Allele frequency attached by ClinVar (database versions not stated): TOPMed below 0.00001; gnomAD 0.00001.

Submission:

Labcorp Genetics (formerly Invitae), Labcorp
Classification: Uncertain significance. Last evaluated: 2022-03-23. Review status: criteria provided, single submitter. Criteria: Invitae Variant Classification Sherloc (09022015). Collection method: clinical testing. Allele origin: germline.
Comment: In summary, the available evidence is currently insufficient to determine the role of this variant in disease. Therefore, it has been classified as a Variant of Uncertain Significance. Experimental studies and prediction algorithms are not available or were not evaluated, and the functional significance of this variant is currently unknown. This variant has not been reported in the literature in individuals affected with SAMD9L-related conditions. This variant is not present in population databases (gnomAD no frequency). This sequence change creates a premature translational stop signal (p.Glu727*) in the SAMD9L gene. While this is not anticipated to result in nonsense mediated decay, it is expected to disrupt the last 858 amino acid(s) of the SAMD9L protein.

NM_152703.5(SAMD9L):c.2179G>T (p.Glu727Ter)

Gene: SAMD9L (sterile alpha motif domain containing 9 like; minus strand). Cytogenetic location: 7q21.2.
Variant type: single nucleotide variant.
Coding change: c.2179G>T on transcript NM_152703.5 (MANE Select); coding-DNA position 2179, G replaced by T.
Protein change: p.Glu727Ter; replaces glutamic acid 727 with a stop codon.
Molecular consequence: nonsense.
Genome position (GRCh38, 1-based): chr7:93,133,793, C>A on the plus strand (G>T on the coding strand, the complement: SAMD9L is on the minus strand). VCF-style: chr7-93133793-C-A. GRCh37 (hg19) VCF-style: chr7-92763106-C-A.
Other names: c.2179G>T, p.Glu727Ter (NM_001350085.2, NM_001303496.3, NM_001303497.3 and 5 more transcripts); short protein forms E727*.
Identifiers: ClinVar variation 2116011 (VCV002116011.4), dbSNP rs1205806599, ClinGen allele CA368192378.